The following is an entry in ClinVar:

NM_000719.7(CACNA1C):c.5118C>G (p.His1706Gln)

Genes: CACNA1C (calcium voltage-gated channel subunit alpha1 C; plus strand), CACNA1C-AS1 (CACNA1C antisense RNA 1; minus strand). Cytogenetic location: 12p13.33.
Variant type: single nucleotide variant.
Coding change: c.5118C>G on transcript NM_000719.7 (MANE Select); coding-DNA position 5118, C replaced by G.
Protein change: p.His1706Gln; replaces histidine 1706 with glutamine.
Molecular consequence: missense variant.
Genome position (GRCh38, 1-based): chr12:2,679,470, C>G. VCF-style: chr12-2679470-C-G. GRCh37 (hg19) VCF-style: chr12-2788636-C-G.
Other names: c.5262C>G, p.His1754Gln (NM_001129827.2, NM_199460.4); c.5241C>G, p.His1747Gln (NM_001129829.2); c.5118C>G, p.His1706Gln (NM_001129830.3, NM_001129842.2, NM_001129843.2 and 4 more transcripts); c.5202C>G, p.His1734Gln (NM_001129831.2); c.5178C>G, p.His1726Gln (NM_001129832.2); c.5109C>G, p.His1703Gln (NM_001129844.2); c.5085C>G, p.His1695Gln (NM_001129846.2, NM_001167625.2); c.5175C>G, p.His1725Gln (NM_001129833.2, NM_001129834.2, NM_001129835.2); and 3 more; short protein forms H1695Q, H1703Q, H1706Q, H1712Q, H1714Q, H1723Q, H1725Q, H1726Q.
Identifiers: ClinVar variation 1809839 (VCV001809839.7), dbSNP rs372547992, ClinGen allele CA383378536.

ClinVar aggregate classification (germline): Uncertain significance. Review status: criteria provided, multiple submitters, no conflicts (2 of 4 stars). 2 submissions from 2 submitters: Uncertain significance (2). Last evaluated 2024-07-15.

Conditions:
Long QT syndrome (LQTS). Identifiers: MedGen C0023976, MeSH D008133, MONDO:0002442. Disease mechanism: loss of function. Inheritance: Various modes of inheritance.

gnomAD v4.1: 2 of 1,589,828 alleles (0.00013%); highest among the groups gnomAD compares: Non-Finnish European, 0.00017%; no homozygotes.

Submissions (2):

GeneDx
Classification: Uncertain significance. Last evaluated: 2024-07-15. Review status: criteria provided, single submitter. Criteria: GeneDx Variant Classification Process June 2021. Collection method: clinical testing. Allele origin: germline. Affected: yes.
Comment: Has not been previously published as pathogenic or benign to our knowledge; Not observed at significant frequency in large population cohorts (gnomAD); In silico analysis supports that this missense variant has a deleterious effect on protein structure/function

Labcorp Genetics (formerly Invitae), Labcorp
Classification: Uncertain significance for Long QT syndrome. Last evaluated: 2024-05-15. Review status: criteria provided, single submitter. Criteria: Invitae Variant Classification Sherloc (09022015). Collection method: clinical testing. Allele origin: germline.
Comment: This sequence change replaces histidine, which is basic and polar, with glutamine, which is neutral and polar, at codon 1706 of the CACNA1C protein (p.His1706Gln). This variant is not present in population databases (gnomAD no frequency). This variant has not been reported in the literature in individuals affected with CACNA1C-related conditions. ClinVar contains an entry for this variant (Variation ID: 1809839). Advanced modeling of protein sequence and biophysical properties (such as structural, functional, and spatial information, amino acid conservation, physicochemical variation, residue mobility, and thermodynamic stability) has been performed at Invitae for this missense variant, however the output from this modeling did not meet the statistical confidence thresholds required to predict the impact of this variant on CACNA1C protein function. In summary, the available evidence is currently insufficient to determine the role of this variant in disease. Therefore, it has been classified as a Variant of Uncertain Significance.